The following is an entry in ClinVar:

ClinVar aggregate classification (germline): Uncertain significance. Review status: criteria provided, multiple submitters, no conflicts (2 of 4 stars). 2 submissions from 2 submitters: Uncertain significance (2). Last evaluated 2025-08-11.

Conditions:
Inborn genetic diseases. Identifiers: MedGen C0950123, MeSH D030342.

Allele frequency attached by ClinVar (database versions not stated): gnomAD exomes 0.00003 and 0.00002; ExAC 0.00001; TOPMed 0.00001.
gnomAD v4.1: 14 of 1,614,126 alleles (0.00087%); highest among the groups gnomAD compares: Admixed American, 0.013%; no homozygotes.

Submissions (2):

Ambry Genetics
Classification: Uncertain significance for Inborn genetic diseases. Last evaluated: 2025-08-11. Review status: criteria provided, single submitter. Criteria: Ambry Variant Classification Scheme 2023. Collection method: clinical testing. Allele origin: germline.

Labcorp Genetics (formerly Invitae), Labcorp
Classification: Uncertain significance. Last evaluated: 2021-09-24. Review status: criteria provided, single submitter. Criteria: Invitae Variant Classification Sherloc (09022015). Collection method: clinical testing. Allele origin: germline.
Comment: This sequence change replaces threonine with proline at codon 1292 of the LAMC3 protein (p.Thr1292Pro). The threonine residue is weakly conserved and there is a small physicochemical difference between threonine and proline. This variant is present in population databases (rs760662661, ExAC 0.002%). This variant has not been reported in the literature in individuals with LAMC3-related conditions. Algorithms developed to predict the effect of missense changes on protein structure and function (SIFT, PolyPhen-2, Align-GVGD) all suggest that this variant is likely to be tolerated, but these predictions have not been confirmed by published functional studies and their clinical significance is uncertain. In summary, the available evidence is currently insufficient to determine the role of this variant in disease. Therefore, it has been classified as a Variant of Uncertain Significance.

NM_006059.4(LAMC3):c.3874A>C (p.Thr1292Pro)

Gene: LAMC3 (laminin subunit gamma 3; plus strand). Cytogenetic location: 9q34.12.
Variant type: single nucleotide variant.
Coding change: c.3874A>C on transcript NM_006059.4 (MANE Select); coding-DNA position 3874, A replaced by C.
Protein change: p.Thr1292Pro; replaces threonine 1292 with proline.
Molecular consequence: missense variant.
Genome position (GRCh38, 1-based): chr9:131,079,245, A>C. VCF-style: chr9-131079245-A-C. GRCh37 (hg19) VCF-style: chr9-133954632-A-C.
Other names: c.3874A>C (NM_006059.3); short protein forms T1292P.
Identifiers: ClinVar variation 1411734 (VCV001411734.6), dbSNP rs760662661, ClinGen allele CA5287969.